The following is an entry in ClinVar:

ClinVar aggregate classification (germline): Uncertain significance. Review status: criteria provided, multiple submitters, no conflicts (2 of 4 stars). 2 submissions from 2 submitters: Uncertain significance (2). Last evaluated 2023-11-30.

Conditions:
Cardiovascular phenotype. Identifiers: MedGen CN230736.
Walker-Warburg congenital muscular dystrophy. Also called: Muscular dystrophy-dystroglycanopathy, type A; Walker-Warburg syndrome. Identifiers: Orphanet 899, MedGen C0265221, MONDO:0000171.

Allele frequency attached by ClinVar (database versions not stated): gnomAD exomes below 0.00001.
gnomAD v4.1: 2 of 1,510,272 alleles (0.00013%); highest among the groups gnomAD compares: African/African-American, 0.0014%; no homozygotes.

Submissions (2):

Ambry Genetics
Classification: Uncertain significance for Cardiovascular phenotype. Last evaluated: 2023-11-30. Review status: criteria provided, single submitter. Criteria: Ambry Variant Classification Scheme 2023. Collection method: clinical testing. Allele origin: germline.
Comment: The p.E124G variant (also known as c.371A>G), located in coding exon 1 of the FKRP gene, results from an A to G substitution at nucleotide position 371. The glutamic acid at codon 124 is replaced by glycine, an amino acid with similar properties. This amino acid position is conserved. In addition, this alteration is predicted to be deleterious by in silico analysis. Since supporting evidence is limited at this time, the clinical significance of this alteration remains unclear.

Labcorp Genetics (formerly Invitae), Labcorp
Classification: Uncertain significance for Walker-Warburg congenital muscular dystrophy. Last evaluated: 2021-08-23. Review status: criteria provided, single submitter. Criteria: Invitae Variant Classification Sherloc (09022015). Collection method: clinical testing. Allele origin: germline.
Comment: This sequence change replaces glutamic acid with glycine at codon 124 of the FKRP protein (p.Glu124Gly). The glutamic acid residue is moderately conserved and there is a moderate physicochemical difference between glutamic acid and glycine. The frequency data for this variant in the population databases is considered unreliable, as metrics indicate insufficient coverage at this position in the ExAC database. This variant has not been reported in the literature in individuals affected with FKRP-related conditions. Algorithms developed to predict the effect of missense changes on protein structure and function are either unavailable or do not agree on the potential impact of this missense change (SIFT: "Deleterious"; PolyPhen-2: "Probably Damaging"; Align-GVGD: "Class C0"). In summary, the available evidence is currently insufficient to determine the role of this variant in disease. Therefore, it has been classified as a Variant of Uncertain Significance.

NM_024301.5(FKRP):c.371A>G (p.Glu124Gly)

Gene: FKRP (fukutin related protein; plus strand). Cytogenetic location: 19q13.32.
Variant type: single nucleotide variant.
Coding change: c.371A>G on transcript NM_024301.5 (MANE Select); coding-DNA position 371, A replaced by G.
Protein change: p.Glu124Gly; replaces glutamic acid 124 with glycine.
Molecular consequence: missense variant.
Genome position (GRCh38, 1-based): chr19:46,755,821, A>G. VCF-style: chr19-46755821-A-G. GRCh37 (hg19) VCF-style: chr19-47259078-A-G.
Other names: c.371A>G, p.Glu124Gly (NM_001039885.3); c.371A>G (NM_024301.4); short protein forms E124G.
Identifiers: ClinVar variation 1023724 (VCV001023724.7), dbSNP rs1457269190, ClinGen allele CA406495198.